The following is an entry in ClinVar:

ClinVar aggregate classification (germline): Benign/Likely benign. Review status: criteria provided, multiple submitters, no conflicts (2 of 4 stars). 7 submissions from 3 submitters: Benign (5); Likely benign (2). Last evaluated 2021-05-23.

Conditions:
Dilated cardiomyopathy 1G (CMD1G). Identifiers: Orphanet 154, MedGen C1858763, MONDO:0011400, OMIM 604145.
Early-onset myopathy with fatal cardiomyopathy (CMYO5). Also called: CONGENITAL MYOPATHY 5 WITH CARDIOMYOPATHY; Salih Myopathy. Identifiers: Orphanet 289377, MedGen C2673677, MONDO:0012714, OMIM 611705. Disease mechanism: loss of function.
Myopathy, myofibrillar, 9, with early respiratory failure (MFM9). Also called: Myopathy, distal, with early respiratory failure, autosomal dominant; Hereditary myopathy with early respiratory failure; EDSTROM MYOPATHY; MYOPATHY, PROXIMAL, WITH EARLY RESPIRATORY MUSCLE INVOLVEMENT. Identifiers: Orphanet 178464, Orphanet 34521, MedGen C1863599, MONDO:0011362, OMIM 603689.
Tibial muscular dystrophy (TMD). Also called: Udd Distal Myopathy – Tibial Muscular Dystrophy; UDD MYOPATHY; Tibial muscular dystrophy, tardive. Identifiers: Orphanet 609, MedGen C1838244, MONDO:0010870, OMIM 600334.
Autosomal recessive limb-girdle muscular dystrophy type 2J (LGMDR10). Also called: MUSCULAR DYSTROPHY, LIMB-GIRDLE, AUTOSOMAL RECESSIVE 10; Limb-girdle muscular dystrophy, type 2J. Identifiers: Orphanet 140922, MedGen C1837342, MONDO:0012127, OMIM 608807.

Allele frequency attached by ClinVar (database versions not stated): TOPMed 0.01901; gnomAD 0.02133 and 0.02157; 1000 Genomes Project 30x 0.02139; 1000 Genomes Project 0.02316; gnomAD exomes 0.03167.
gnomAD v4.1: 3,303 of 152,728 alleles (2.2%); highest among the groups gnomAD compares: East Asian, 6.4%; 60 homozygotes.

Submissions (7):

GeneDx
Classification: Benign. Last evaluated: 2021-05-23. Review status: criteria provided, single submitter. Criteria: GeneDx Variant Classification Process June 2021. Collection method: clinical testing. Allele origin: germline. Affected: yes.

Illumina Laboratory Services, Illumina
Classification: Benign for Tibial muscular dystrophy. Last evaluated: 2018-01-12. Review status: criteria provided, single submitter. Criteria: ICSL Variant Classification Criteria 13 December 2019. Collection method: clinical testing. Allele origin: germline.
Comment: This variant was observed in the ICSL laboratory as part of a predisposition screen in an ostensibly healthy population. It had not been previously curated by ICSL or reported in the Human Gene Mutation Database (HGMD: prior to June 1st, 2018), and was therefore a candidate for classification through an automated scoring system. Utilizing variant allele frequency, disease prevalence and penetrance estimates, and inheritance mode, an automated score was calculated to assess if this variant is too frequent to cause the disease. Based on the score and internal cut-off values, a variant classified as benign is not then subjected to further curation. The score for this variant resulted in a classification of benign for this disease.

Illumina Laboratory Services, Illumina
Classification: Benign for Myopathy, myofibrillar, 9, with early respiratory failure. Last evaluated: 2018-01-12. Review status: criteria provided, single submitter. Criteria: ICSL Variant Classification Criteria 13 December 2019. Collection method: clinical testing. Allele origin: germline.
Comment: the same text as in the submission from Illumina Laboratory Services, Illumina above.

Illumina Laboratory Services, Illumina
Classification: Benign for Early-onset myopathy with fatal cardiomyopathy. Last evaluated: 2018-01-12. Review status: criteria provided, single submitter. Criteria: ICSL Variant Classification Criteria 13 December 2019. Collection method: clinical testing. Allele origin: germline.
Comment: the same text as in the submission from Illumina Laboratory Services, Illumina above.

Illumina Laboratory Services, Illumina
Classification: Benign for Autosomal recessive limb-girdle muscular dystrophy type 2J. Last evaluated: 2018-01-12. Review status: criteria provided, single submitter. Criteria: ICSL Variant Classification Criteria 13 December 2019. Collection method: clinical testing. Allele origin: germline.
Comment: the same text as in the submission from Illumina Laboratory Services, Illumina above.

Illumina Laboratory Services, Illumina
Classification: Likely benign for Dilated cardiomyopathy 1G. Last evaluated: 2018-01-12. Review status: criteria provided, single submitter. Criteria: ICSL Variant Classification Criteria 13 December 2019. Collection method: clinical testing. Allele origin: germline.
Comment: This variant was observed in the ICSL laboratory as part of a predisposition screen in an ostensibly healthy population. It had not been previously curated by ICSL or reported in the Human Gene Mutation Database (HGMD: prior to June 1st, 2018), and was therefore a candidate for classification through an automated scoring system. Utilizing variant allele frequency, disease prevalence and penetrance estimates, and inheritance mode, an automated score was calculated to assess if this variant is too frequent to cause the disease. Based on the score and internal cut-off values, a variant classified as likely benign is not then subjected to further curation. The score for this variant resulted in a classification of likely benign for this disease.

Breakthrough Genomics
Classification: Likely benign. Review status: criteria provided, single submitter. Criteria: ACMG Guidelines, 2015. Collection method: not provided. Allele origin: germline. Inheritance: Autosomal recessive inheritance. Affected: yes.

NM_001267550.2(TTN):c.*664G>T

Genes: TTN (titin; minus strand), TTN-AS1 (TTN antisense RNA 1; plus strand). Cytogenetic location: 2q31.2.
Variant type: single nucleotide variant.
Coding change: c.*664G>T on transcript NM_001267550.2 (MANE Select); 664 bases downstream of the stop codon, G replaced by T.
Molecular consequence: 3 prime UTR variant.
Genome position (GRCh38, 1-based): chr2:178,526,348, C>A on the plus strand (G>T on the coding strand, the complement: TTN is on the minus strand). VCF-style: chr2-178526348-C-A. GRCh37 (hg19) VCF-style: chr2-179391075-C-A.
Other names: c.*664G>T (NM_001256850.1, NM_003319.4, NM_133432.3 and 2 more transcripts).
Identifiers: ClinVar variation 332666 (VCV000332666.9), dbSNP rs72629796, ClinGen allele CA10613195.